The following is an entry in ClinVar:

ClinVar aggregate classification (germline): Uncertain significance (1 of 4 stars; one submission).

Conditions:
Hereditary cancer-predisposing syndrome. Also called: Tumor predisposition; Neoplastic Syndromes, Hereditary; Hereditary Cancer Syndrome; Hereditary neoplastic syndrome. Identifiers: Orphanet 140162, MedGen C0027672, MeSH D009386, MONDO:0015356.

Submission:

Ambry Genetics
Classification: Uncertain significance for Hereditary cancer-predisposing syndrome. Last evaluated: 2021-08-18. Review status: criteria provided, single submitter. Criteria: Ambry Variant Classification Scheme 2023. Collection method: clinical testing. Allele origin: germline.
Comment: The p.S1028G variant (also known as c.3082A>G), located in coding exon 15 of the APC gene, results from an A to G substitution at nucleotide position 3082. The serine at codon 1028 is replaced by glycine, an amino acid with similar properties. A similar alteration affecting this codon, p.S1028N, has been identified in at least one family with attenuated familial adenomatous polyposis (AFAP) and colorectal cancer and it has been observed to segregate with disease (Ambry internal data). A nearby amino acid, APC p.N1026, likely interacts directly with APC p.S1028. A missense alteration at the nearby amino acid, APC p.N1026S, which was also shown to segregate with AFAP, is impaired in its ability to bind to &beta;-Catenin and, thus, impaired in reducing &beta;-Catenin signaling (Men&eacute;ndez M et al. Gastroenterology. 2008 Jan;134:56-64; Kohler EM et al. Hum. Mol. Genet. 2008 Jul;17:1978-87). This amino acid position is highly conserved in available vertebrate species. In addition, the in silico prediction for p.S1028G is inconclusive. Since supporting evidence is limited at this time, the clinical significance of this alteration remains unclear.

NM_000038.6(APC):c.3082A>G (p.Ser1028Gly)

Gene: APC (APC regulator of Wnt signaling pathway; plus strand). Cytogenetic location: 5q22.2.
Variant type: single nucleotide variant.
Coding change: c.3082A>G on transcript NM_000038.6 (MANE Select); coding-DNA position 3082, A replaced by G.
Protein change: p.Ser1028Gly; replaces serine 1028 with glycine.
Molecular consequence: missense variant.
Genome position (GRCh38, 1-based): chr5:112,838,676, A>G. VCF-style: chr5-112838676-A-G. GRCh37 (hg19) VCF-style: chr5-112174373-A-G.
Other names: c.2833A>G, p.Ser945Gly (NM_001407456.1, NM_001407457.1, NM_001407454.1 and 1 more transcripts); c.2779A>G, p.Ser927Gly (NM_001407458.1, NM_001354903.2, NM_001407459.1 and 1 more transcripts); c.3082A>G, p.Ser1028Gly (NM_001127510.3, NM_001354895.2, NM_001407450.1); c.3028A>G, p.Ser1010Gly (NM_001127511.3); c.3136A>G, p.Ser1046Gly (NM_001354896.2, NM_001407447.1, NM_001407448.1 and 1 more transcripts); c.3112A>G, p.Ser1038Gly (NM_001354897.2); c.3007A>G, p.Ser1003Gly (NM_001354898.2); c.2998A>G, p.Ser1000Gly (NM_001354899.2); and 11 more; short protein forms S1000G, S1003G, S1010G, S1056G, S644G, S1021G, S1046G, S868G.
Identifiers: ClinVar variation 1727379 (VCV001727379.2), dbSNP rs2149883939, ClinGen allele CA16028082.